The following is an entry in ClinVar:

ClinVar aggregate classification (germline): Benign/Likely benign. Review status: criteria provided, multiple submitters, no conflicts (2 of 4 stars). 3 submissions from 3 submitters: Benign (2); Likely benign (1). Last evaluated 2025-11-04.

Allele frequency attached by ClinVar (database versions not stated): 1000 Genomes Project 0.00100; gnomAD 0.00110 and 0.00128; 1000 Genomes Project 30x 0.00125; TOPMed 0.00135; ESP Exome Variant Server 0.00169.

Submissions (3):

Labcorp Genetics (formerly Invitae), Labcorp
Classification: Benign. Last evaluated: 2025-11-04. Review status: criteria provided, single submitter. Criteria: Invitae Variant Classification Sherloc (09022015). Collection method: clinical testing. Allele origin: germline.

GeneDx
Classification: Likely benign. Last evaluated: 2020-09-21. Review status: criteria provided, single submitter. Criteria: GeneDx Variant Classification Process June 2021. Collection method: clinical testing. Allele origin: germline. Affected: yes.

Laboratory for Molecular Medicine, Mass General Brigham Personalized Medicine
Classification: Benign. Last evaluated: 2014-11-24. Review status: criteria provided, single submitter. Criteria: LMM Criteria. Collection method: clinical testing. Allele origin: germline. Observed: 1 variant allele.
Comment: 1566+12C>T in intron 9 of TSPEAR: This variant is not expected to have clinical significance because it is not located within the conserved splice consensus seq uence. It has been identified in 0.5% (22/4406) of African American chromosomes from a broad population by the NHLBI Exome Sequencing Project (dbSNP rs199557392).

NM_144991.3(TSPEAR):c.1566+12C>T

Gene: TSPEAR (thrombospondin type laminin G domain and EAR repeats; minus strand). Cytogenetic location: 21q22.3.
Variant type: single nucleotide variant.
Coding change: c.1566+12C>T on transcript NM_144991.3 (MANE Select); 12 bases into the intron after coding-DNA position 1566, C replaced by T.
Molecular consequence: intron variant.
Genome position (GRCh38, 1-based): chr21:44,521,871, G>A on the plus strand (C>T on the coding strand, the complement: TSPEAR is on the minus strand). VCF-style: chr21-44521871-G-A. GRCh37 (hg19) VCF-style: chr21-45941754-G-A.
Other names: c.1362+12C>T (NM_001272037.2).
Identifiers: ClinVar variation 504825 (VCV000504825.16), dbSNP rs199557392, ClinGen allele CA10056528.